The following is an entry in ClinVar:

NM_004656.4(BAP1):c.1684C>A (p.Leu562Met)

Gene: BAP1 (BRCA1 associated deubiquitinase 1; minus strand). Cytogenetic location: 3p21.1.
Variant type: single nucleotide variant.
Coding change: c.1684C>A on transcript NM_004656.4 (MANE Select); coding-DNA position 1684, C replaced by A.
Protein change: p.Leu562Met; replaces leucine 562 with methionine.
Molecular consequence: missense variant.
Genome position (GRCh38, 1-based): chr3:52,403,461, G>T on the plus strand (C>A on the coding strand, the complement: BAP1 is on the minus strand). VCF-style: chr3-52403461-G-T. GRCh37 (hg19) VCF-style: chr3-52437477-G-T.
Other names: c.1630C>A, p.Leu544Met (NM_001410772.1); short protein forms L544M, L562M.
Identifiers: ClinVar variation 4620881 (VCV004620881.1).

ClinVar aggregate classification (germline): Uncertain significance (1 of 4 stars; one submission).

Conditions:
Hereditary cancer-predisposing syndrome. Also called: Neoplastic Syndromes, Hereditary; Tumor predisposition; Hereditary Cancer Syndrome; Hereditary neoplastic syndrome. Identifiers: Orphanet 140162, MedGen C0027672, MeSH D009386, MONDO:0015356.

Submission:

Ambry Genetics
Classification: Uncertain significance for Hereditary cancer-predisposing syndrome. Last evaluated: 2025-12-10. Review status: criteria provided, single submitter. Criteria: Ambry Variant Classification Scheme 2023. Collection method: clinical testing. Allele origin: germline.
Comment: The p.L562M variant (also known as c.1684C>A), located in coding exon 13 of the BAP1 gene, results from a C to A substitution at nucleotide position 1684. The leucine at codon 562 is replaced by methionine, an amino acid with highly similar properties. This amino acid position is conserved. In addition, this alteration is predicted to be tolerated by in silico analysis. Based on the available evidence, the clinical significance of this variant remains unclear.